The following is an entry in ClinVar:

ClinVar aggregate classification (germline): Uncertain significance. Review status: criteria provided, multiple submitters, no conflicts (2 of 4 stars). 2 submissions from 2 submitters: Uncertain significance (2). Last evaluated 2024-11-10.

Conditions:
Inborn genetic diseases. Identifiers: MedGen C0950123, MeSH D030342.

Allele frequency attached by ClinVar (database versions not stated): ExAC 0.00003; gnomAD 0.00004; TOPMed 0.00005; ESP Exome Variant Server 0.00008.
gnomAD v4.1: 94 of 1,594,158 alleles (0.0059%); highest among the groups gnomAD compares: East Asian, 0.0089%; no homozygotes.

Submissions (2):

Ambry Genetics
Classification: Uncertain significance for Inborn genetic diseases. Last evaluated: 2024-11-10. Review status: criteria provided, single submitter. Criteria: Ambry Variant Classification Scheme 2023. Collection method: clinical testing. Allele origin: germline.

Labcorp Genetics (formerly Invitae), Labcorp
Classification: Uncertain significance. Last evaluated: 2021-10-25. Review status: criteria provided, single submitter. Criteria: Invitae Variant Classification Sherloc (09022015). Collection method: clinical testing. Allele origin: germline.
Comment: This sequence change replaces threonine with methionine at codon 618 of the COL27A1 protein (p.Thr618Met). The threonine residue is highly conserved and there is a moderate physicochemical difference between threonine and methionine. This variant is present in population databases (rs141872540, ExAC 0.02%). This variant has not been reported in the literature in individuals affected with COL27A1-related conditions. Advanced modeling of protein sequence and biophysical properties (such as structural, functional, and spatial information, amino acid conservation, physicochemical variation, residue mobility, and thermodynamic stability) performed at Invitae indicates that this missense variant is not expected to disrupt COL27A1 protein function. In summary, the available evidence is currently insufficient to determine the role of this variant in disease. Therefore, it has been classified as a Variant of Uncertain Significance.

NM_032888.4(COL27A1):c.1853C>T (p.Thr618Met)

Gene: COL27A1 (collagen type XXVII alpha 1 chain; plus strand). Cytogenetic location: 9q32.
Variant type: single nucleotide variant.
Coding change: c.1853C>T on transcript NM_032888.4 (MANE Select); coding-DNA position 1853, C replaced by T.
Protein change: p.Thr618Met; replaces threonine 618 with methionine.
Molecular consequence: missense variant.
Genome position (GRCh38, 1-based): chr9:114,169,408, C>T. VCF-style: chr9-114169408-C-T. GRCh37 (hg19) VCF-style: chr9-116931688-C-T.
Other names: c.1853C>T (NM_032888.2); short protein forms T618M.
Identifiers: ClinVar variation 2146814 (VCV002146814.2), dbSNP rs141872540, ClinGen allele CA5201492.